The following is an entry in ClinVar:

NM_001366385.1(CARD14):c.1324G>A (p.Asp442Asn)

Gene: CARD14 (caspase recruitment domain family member 14; plus strand). Cytogenetic location: 17q25.3.
Variant type: single nucleotide variant.
Coding change: c.1324G>A on transcript NM_001366385.1 (MANE Select); coding-DNA position 1324, G replaced by A.
Protein change: p.Asp442Asn; replaces aspartic acid 442 with asparagine.
Molecular consequence: missense variant. On other transcripts: non-coding transcript variant (1).
Genome position (GRCh38, 1-based): chr17:80,192,587, G>A. VCF-style: chr17-80192587-G-A. GRCh37 (hg19) VCF-style: chr17-78166386-G-A.
Other names: c.1324G>A, p.Asp442Asn (NM_001257970.1, NM_024110.4); c.613G>A, p.Asp205Asn (NM_052819.3); c.1324G>A (NM_024110.3); short protein forms D205N, D442N.
Identifiers: ClinVar variation 2954240 (VCV002954240.4), dbSNP rs868861597, ClinGen allele CA294867385.

ClinVar aggregate classification (germline): Uncertain significance. Review status: criteria provided, multiple submitters, no conflicts (2 of 4 stars). 2 submissions from 2 submitters: Uncertain significance (2). Last evaluated 2024-08-05.

Conditions:
Pityriasis rubra pilaris (PRP). Also called: Pityriasis rubra pilaris--familial type. Identifiers: Orphanet 2897, MedGen C0032027, MONDO:0100017, OMIM 173200, MONDO:0008251.
Psoriasis 2. Identifiers: MedGen C1864497, MONDO:0011269, OMIM 602723.
Inborn genetic diseases. Identifiers: MedGen C0950123, MeSH D030342.

Allele frequency attached by ClinVar (database versions not stated): gnomAD 0.00001; gnomAD exomes 0.00001; TOPMed 0.00001.
gnomAD v4.1: 8 of 1,613,148 alleles (0.0005%); highest among the groups gnomAD compares: South Asian, 0.0033%; no homozygotes.

Submissions (2):

Labcorp Genetics (formerly Invitae), Labcorp
Classification: Uncertain significance for Pityriasis rubra pilaris; Psoriasis 2. Last evaluated: 2024-08-05. Review status: criteria provided, single submitter. Criteria: Invitae Variant Classification Sherloc (09022015). Collection method: clinical testing. Allele origin: germline.
Comment: This sequence change replaces aspartic acid, which is acidic and polar, with asparagine, which is neutral and polar, at codon 442 of the CARD14 protein (p.Asp442Asn). This variant is present in population databases (no rsID available, gnomAD 0.003%). This variant has not been reported in the literature in individuals affected with CARD14-related conditions. An algorithm developed to predict the effect of missense changes on protein structure and function outputs the following: PolyPhen-2: "Benign". The asparagine amino acid residue is found in multiple mammalian species, which suggests that this missense change does not adversely affect protein function. In summary, the available evidence is currently insufficient to determine the role of this variant in disease. Therefore, it has been classified as a Variant of Uncertain Significance.

Ambry Genetics
Classification: Uncertain significance for Inborn genetic diseases. Last evaluated: 2024-03-08. Review status: criteria provided, single submitter. Criteria: Ambry Variant Classification Scheme 2023. Collection method: clinical testing. Allele origin: germline.